The following is an entry in ClinVar:

ClinVar aggregate classification (germline): Conflicting classifications of pathogenicity. Review status: criteria provided, conflicting classifications (1 of 4 stars). 7 submissions from 7 submitters: Uncertain significance (4); Likely benign (2). 1 of the submissions does not count toward it. Last evaluated 2026-02-06.

Conditions:
Chronic granulomatous disease. Identifiers: Orphanet 379, MedGen C0018203, MONDO:0018305.
Granulomatous disease, chronic, autosomal recessive, cytochrome b-negative. Also called: GRANULOMATOUS DISEASE, CHRONIC, AUTOSOMAL RECESSIVE, 4; CGD DUE TO DEFICIENCY OF THE ALPHA SUBUNIT OF CYTOCHROME b; CGD, AUTOSOMAL RECESSIVE CYTOCHROME b-NEGATIVE; Chronic granulomatous disease, autosomal, due to deficiency of CYBA; CYBA DEFICIENCY. Identifiers: Orphanet 379, MedGen C1856255, MONDO:0009308, OMIM 233690.

Submissions (7):

Women's Health and Genetics/Laboratory Corporation of America, LabCorp
Classification: Likely benign. Last evaluated: 2026-02-06. Review status: criteria provided, single submitter. Criteria: LabCorp Variant Classification Summary - May 2015. Collection method: clinical testing. Allele origin: germline.
Comment: Variant summary: CYBA c.527_529dupCGG (p.Ala176dup) results in an in-frame duplication that is predicted to duplicate 1 amino acid into the encoded protein. The variant allele was found at a frequency of 0.00067 in 1534392 control chromosomes. The observed variant frequency exceeds the estimated maximal expected allele frequency for disease-causing variants in CYBA. To our knowledge, no occurrence of c.527_529dupCGG in individuals affected with CYBA-related conditions and no experimental evidence demonstrating its impact on protein function have been reported. ClinVar contains an entry for this variant (Variation ID: 418151). Based on the evidence outlined above, the variant was classified as likely benign.

Labcorp Genetics (formerly Invitae), Labcorp
Classification: Uncertain significance for Granulomatous disease, chronic, autosomal recessive, cytochrome b-negative. Last evaluated: 2026-01-14. Review status: criteria provided, single submitter. Criteria: Invitae Variant Classification Sherloc (09022015). Collection method: clinical testing. Allele origin: germline.
Comment: This variant, c.527_529dup, results in the insertion of 1 amino acid(s) of the CYBA protein (p.Ala176dup), but otherwise preserves the integrity of the reading frame. This variant is present in population databases (rs760275837, gnomAD 0.06%). This variant has not been reported in the literature in individuals affected with CYBA-related conditions. ClinVar contains an entry for this variant (Variation ID: 418151). Experimental studies and prediction algorithms are not available or were not evaluated, and the functional significance of this variant is currently unknown. In summary, the available evidence is currently insufficient to determine the role of this variant in disease. Therefore, it has been classified as a Variant of Uncertain Significance.

CeGaT Center for Human Genetics Tuebingen
Classification: Uncertain significance. Last evaluated: 2021-11-01. Review status: criteria provided, single submitter. Criteria: CeGaT Center For Human Genetics Tuebingen Variant Classification Criteria Version 2. Collection method: clinical testing. Allele origin: germline. Affected: yes. Observed: 1 variant allele.

Center for Genomics, Ann and Robert H. Lurie Children's Hospital of Chicago
Classification: Uncertain significance for Granulomatous disease, chronic, autosomal recessive, cytochrome b-negative. Last evaluated: 2021-03-30. Review status: criteria provided, single submitter. Criteria: ACMG Guidelines, 2015. Collection method: clinical testing. Allele origin: germline.
Comment: CYBA NM_000101.3 exon 6 p.Ala176dup (c.527_529dup): This variant has not been reported in the literature but is present in 33/51894 European alleles in the Genome Aggregation Database. This variant is present in ClinVar (Variation ID:418151). Evolutionary conservation and computational predictive tools for this variant are limited or unavailable. This variant represents a duplication of 1 amino acid at position 176 and is not predicted to alter the reading frame. However, the effect of this variant on the protein is unclear. In summary, data on this variant is insufficient for disease classification. Therefore, the clinical significance of this variant is uncertain.

GeneDx
Classification: Likely benign. Last evaluated: 2019-09-09. Review status: criteria provided, single submitter. Criteria: GeneDx Variant Classification Process June 2021. Collection method: clinical testing. Allele origin: germline. Affected: yes.

Eurofins Ntd Llc (ga)
Classification: Uncertain significance. Last evaluated: 2016-11-17. Review status: criteria provided, single submitter. Criteria: EGL Classification Definitions 2015. Collection method: clinical testing. Allele origin: germline. Observed: 1 variant allele, 1 heterozygote.

Natera, Inc.
Classification: Uncertain significance for Chronic granulomatous disease. Last evaluated: 2020-01-17. Review status: no assertion criteria provided. Collection method: clinical testing. Allele origin: germline. Not counted in ClinVar's aggregate classification.

NM_000101.4(CYBA):c.524CGG[3] (p.Ala176dup)

Gene: CYBA (cytochrome b-245 alpha chain; minus strand). Cytogenetic location: 16q24.2.
Variant type: Microsatellite.
Coding change: c.524CGG[3] on transcript NM_000101.4 (MANE Select); three copies in a row of the 3-base unit CGG starting at c.524; the reference has two copies in a row; one copy, 3 bases duplicated.
Protein change: p.Ala176dup; duplicates alanine 176.
Molecular consequence: inframe insertion.
Genome position (GRCh38, 1-based): chr16:88,643,412-88,643,414, CCG duplicated on the plus strand (CGG on the coding strand, the reverse complement: CYBA is on the minus strand); duplicating any 3 consecutive bases within chr16:88,643,412-88,643,419 gives the same sequence; the position shown is the placement nearest the transcript's 3' end. VCF-style (leftmost placement, unchanged base first): chr16-88643411-C-CCCG. GRCh37 (hg19) VCF-style: chr16-88709819-C-CCCG.
Other names: c.527_529dupCGG (NM_000101.2, NM_000101.4).
Identifiers: ClinVar variation 418151 (VCV000418151.53), dbSNP rs760275837, ClinGen allele CA8228174.